The following is an entry in ClinVar:

NM_000203.5(IDUA):c.1090A>G (p.Thr364Ala)

Gene: IDUA (alpha-L-iduronidase; plus strand). Cytogenetic location: 4p16.3.
Variant type: single nucleotide variant.
Coding change: c.1090A>G on transcript NM_000203.5 (MANE Select); coding-DNA position 1090, A replaced by G.
Protein change: p.Thr364Ala; replaces threonine 364 with alanine.
Molecular consequence: missense variant. On other transcripts: non-coding transcript variant (1).
Genome position (GRCh38, 1-based): chr4:1,002,386, A>G. VCF-style: chr4-1002386-A-G. GRCh37 (hg19) VCF-style: chr4-996174-A-G.
Other names: NM_000203.5(IDUA):c.1090A>G; p.Thr364Ala; c.694A>G, p.Thr232Ala (NM_001363576.1); short protein forms T364A, T232A.
Identifiers: ClinVar variation 1523621 (VCV001523621.9), dbSNP rs1216054018, ClinGen allele CA355963313.

ClinVar aggregate classification (germline): Uncertain significance. Review status: reviewed by expert panel (3 of 4 stars). 2 submissions from 2 submitters: Uncertain significance (1). 1 of the submissions does not count toward it. Last evaluated 2024-12-05.

Conditions:
Mucopolysaccharidosis type 1. Also called: IDUA deficiency; MPS I; Mucopolysaccharidosis Type I. Identifiers: Orphanet 579, MedGen C0023786, MONDO:0001586.

Allele frequency attached by ClinVar (database versions not stated): gnomAD exomes below 0.00001.
gnomAD v4.1: 2 of 1,609,182 alleles (0.00012%); highest among the groups gnomAD compares: South Asian, 0.0011%; no homozygotes.

Submissions (2):

ClinGen Lysosomal Storage Disorder Variant Curation Expert Panel
Classification: Uncertain significance for Mucopolysaccharidosis type 1. Last evaluated: 2024-12-05. Review status: reviewed by expert panel. Criteria: ClinGen LSD ACMG Specifications IDUA V1.0.0. Collection method: curation. Allele origin: germline. Inheritance: Autosomal recessive inheritance.
Comment: The NM_000203.5:c.1090A>G variant in IDUA is a missense variant predicted to cause substitution of threonine by alanine at amino acid 364 (p.Thr364Ala). To our knowledge, this variant has not been reported in the literature in any individuals with MPS I and no results of functional assays are available. The highest population minor allele frequency in gnomAD v4.1.0. is 0.00001104 (1/90550 alleles) in the South Asian population, which is lower than the ClinGen Lysosomal Diseases VCEP’s threshold for PM2_Supporting (<0.00025), meeting this criterion (PM2_Supporting). The computational predictor REVEL gives a score of 0.875 which is above the threshold of 0.773, evidence that correlates with impact to IDUA function at the moderate level based on the specifications of the ClinGen Lysosomal Diseases VCEP (PMID: 36413997; PP3_Moderate). Another missense variant c.1091C>T (p.Thr364Met) (ClinVar Variation ID: 11925) in the same codon has been classified as pathogenic for MPS I by the ClinGen Lysosomal Diseases VCEP (PM5). In summary, this variant meets the criteria to be classified as a VUS for MPS I based on the IDUA-specific ACMG/AMP criteria applied, as specified by the ClinGen Lysosomal Diseases Variant Curation Expert panel (Specifications Version 1.0.0): PM2_Supporting, PP3_Moderate, PM5. (Classification approved by the ClinGen Lysosomal Diseases Variant Curation Expert Panel on December 5, 2024)

Labcorp Genetics (formerly Invitae), Labcorp
Classification: Uncertain significance for Mucopolysaccharidosis type 1. Last evaluated: 2021-04-06. Review status: criteria provided, single submitter. Criteria: Invitae Variant Classification Sherloc (09022015). Collection method: clinical testing. Allele origin: germline. Not counted in ClinVar's aggregate classification.
Comment: Advanced modeling of protein sequence and biophysical properties (such as structural, functional, and spatial information, amino acid conservation, physicochemical variation, residue mobility, and thermodynamic stability) performed at Invitae indicates that this missense variant is expected to disrupt IDUA protein function. This variant has not been reported in the literature in individuals with IDUA-related conditions. This variant is not present in population databases (ExAC no frequency). This sequence change replaces threonine with alanine at codon 364 of the IDUA protein (p.Thr364Ala). The threonine residue is highly conserved and there is a small physicochemical difference between threonine and alanine. In summary, the available evidence is currently insufficient to determine the role of this variant in disease. Therefore, it has been classified as a Variant of Uncertain Significance.